The following is an entry in ClinVar:

NM_000352.6(ABCC8):c.4284del (p.Val1429fs)

Gene: ABCC8 (ATP binding cassette subfamily C member 8; minus strand). Cytogenetic location: 11p15.1.
Variant type: Deletion.
Coding change: c.4284del on transcript NM_000352.6 (MANE Select); coding-DNA position 4284, one base deleted (C; older notation c.4284delC).
Protein change: p.Val1429fs; shifts the reading frame from valine 1429.
Molecular consequence: frameshift variant. On other transcripts: non-coding transcript variant (1).
Genome position (GRCh38, 1-based): chr11:17,395,633, G deleted on the plus strand (C on the coding strand, the reverse complement: ABCC8 is on the minus strand); the first of 4 consecutive G bases (chr11:17,395,633-17,395,636); deleting any one gives the same sequence. VCF-style (leftmost placement, unchanged base first): chr11-17395632-CG-C. GRCh37 (hg19) VCF-style: chr11-17417179-CG-C.
Other names: c.4287del, p.Val1430fs (NM_001287174.3); c.4350del, p.Val1451fs (NM_001351295.2); c.4284del, p.Val1429fs (NM_001351296.2); c.4281del, p.Val1428fs (NM_001351297.2); short protein forms V1429fs, V1430fs, V1428fs, V1451fs.
Identifiers: ClinVar variation 2735545 (VCV002735545.3), dbSNP rs2496449904, ClinGen allele CA2612638714.

ClinVar aggregate classification (germline): Pathogenic (1 of 4 stars; one submission).

Submission:

Labcorp Genetics (formerly Invitae), Labcorp
Classification: Pathogenic. Last evaluated: 2023-09-29. Review status: criteria provided, single submitter. Criteria: Invitae Variant Classification Sherloc (09022015). Collection method: clinical testing. Allele origin: germline.
Comment: For these reasons, this variant has been classified as Pathogenic. This premature translational stop signal has been observed in individual(s) with autosomal recessive congenital hyperinsulinism (PMID: 26740944). This sequence change creates a premature translational stop signal (p.Val1429Serfs*31) in the ABCC8 gene. It is expected to result in an absent or disrupted protein product. Loss-of-function variants in ABCC8 are known to be pathogenic (PMID: 20685672, 23345197). This variant is not present in population databases (gnomAD no frequency).

Literature cited by the submitters: PubMed 26740944; PubMed 20685672; PubMed 23345197.